The following is an entry in ClinVar:

ClinVar aggregate classification (germline): Likely benign. Review status: reviewed by expert panel (3 of 4 stars). 8 submissions from 8 submitters: Likely benign (1). 7 of the submissions do not count toward it. Last evaluated 2017-06-29.

Conditions:
Hereditary cancer-predisposing syndrome. Also called: Tumor predisposition; Hereditary neoplastic syndrome; Neoplastic Syndromes, Hereditary; Hereditary Cancer Syndrome. Identifiers: Orphanet 140162, MedGen C0027672, MeSH D009386, MONDO:0015356.
Hereditary breast ovarian cancer syndrome. Also called: Hereditary breast and ovarian cancer syndrome; Hereditary breast and ovarian cancer syndrome (HBOC); Breast and ovarian cancer; BRCA1- and BRCA2-Associated Hereditary Breast and Ovarian Cancer; Hereditary breast and ovarian cancer; Hereditary breast and/or ovarian cancer syndrome. Identifiers: Orphanet 145, MedGen C0677776, MeSH D061325, MONDO:0003582. Disease mechanism: loss of function.
Breast-ovarian cancer, familial, susceptibility to, 2 (BROVCA2). Also called: BRCA2 Hereditary Breast and Ovarian Cancer. Identifiers: Orphanet 145, MedGen C2675520, MONDO:0012933, OMIM 612555. Disease mechanism: loss of function.

Allele frequency attached by ClinVar (database versions not stated): gnomAD exomes below 0.00001.
gnomAD v4.1: 3 of 1,612,718 alleles (0.00019%); highest among the groups gnomAD compares: Non-Finnish European, 0.00017%; no homozygotes.

Submissions (8):

Evidence-based Network for the Interpretation of Germline Mutant Alleles (ENIGMA)
Classification: Likely benign for Breast-ovarian cancer, familial, susceptibility to, 2. Last evaluated: 2017-06-29. Review status: reviewed by expert panel. Criteria: ENIGMA BRCA1/2 Classification Criteria (2017-06-29). Collection method: curation. Allele origin: germline.
Comment: Synonymous substitution variant, with low bioinformatic likelihood to result in a splicing aberration (Splicing prior probability 0.02).

Labcorp Genetics (formerly Invitae), Labcorp
Classification: Likely benign for Hereditary breast ovarian cancer syndrome. Last evaluated: 2025-01-23. Review status: criteria provided, single submitter. Criteria: Invitae Variant Classification Sherloc (09022015). Collection method: clinical testing. Allele origin: germline. Not counted in ClinVar's aggregate classification.

Blueprint Genetics
Classification: Likely benign. Last evaluated: 2024-05-27. Review status: criteria provided, single submitter. Criteria: ACMG Guidelines, 2015. Collection method: clinical testing. Allele origin: germline. Not counted in ClinVar's aggregate classification.

ARUP Laboratories, Molecular Genetics and Genomics, ARUP Laboratories
Classification: Likely benign. Last evaluated: 2022-12-22. Review status: criteria provided, single submitter. Criteria: ARUP Molecular Germline Variant Investigation Process 2024. Collection method: clinical testing. Allele origin: germline. Not counted in ClinVar's aggregate classification.

Women's Health and Genetics/Laboratory Corporation of America, LabCorp
Classification: Likely benign. Last evaluated: 2019-08-21. Review status: criteria provided, single submitter. Criteria: LabCorp Variant Classification Summary - May 2015. Collection method: clinical testing. Allele origin: germline. Not counted in ClinVar's aggregate classification.

Color Diagnostics, LLC DBA Color Health
Classification: Likely benign for Hereditary cancer-predisposing syndrome. Last evaluated: 2019-05-22. Review status: criteria provided, single submitter. Criteria: ACMG Guidelines, 2015. Collection method: clinical testing. Allele origin: germline. Not counted in ClinVar's aggregate classification.

Ambry Genetics
Classification: Likely benign for Hereditary cancer-predisposing syndrome. Last evaluated: 2014-09-16. Review status: criteria provided, single submitter. Criteria: Ambry Variant Classification Scheme 2023. Collection method: clinical testing. Allele origin: germline. Not counted in ClinVar's aggregate classification.

Breast Cancer Information Core (BIC) (BRCA2)
Classification: Benign for Breast-ovarian cancer, familial 2. Last evaluated: 2010-12-17. Review status: no assertion criteria provided. Collection method: clinical testing. Allele origin: germline. Affected: yes. Observed: 1 variant allele. Not counted in ClinVar's aggregate classification.

NM_000059.4(BRCA2):c.1074G>T (p.Val358=)

Gene: BRCA2 (BRCA2 DNA repair associated; plus strand). Cytogenetic location: 13q13.1.
Variant type: single nucleotide variant.
Coding change: c.1074G>T on transcript NM_000059.4 (MANE Select); coding-DNA position 1074, G replaced by T.
Protein change: p.Val358=; no amino-acid change (valine 358 retained).
Molecular consequence: synonymous variant.
Genome position (GRCh38, 1-based): chr13:32,332,552, G>T. VCF-style: chr13-32332552-G-T. GRCh37 (hg19) VCF-style: chr13-32906689-G-T.
Other names: M358V.
Identifiers: ClinVar variation 125933 (VCV000125933.24), dbSNP rs276174805, ClinGen allele CA010749.